The following is an entry in ClinVar:

NM_003331.5(TYK2):c.3096C>T (p.Asp1032=)

Gene: TYK2 (tyrosine kinase 2; minus strand). Cytogenetic location: 19p13.2.
Variant type: single nucleotide variant.
Coding change: c.3096C>T on transcript NM_003331.5 (MANE Select); coding-DNA position 3096, C replaced by T.
Protein change: p.Asp1032=; no amino-acid change (aspartic acid 1032 retained).
Molecular consequence: synonymous variant.
Genome position (GRCh38, 1-based): chr19:10,353,030, G>A on the plus strand (C>T on the coding strand, the complement: TYK2 is on the minus strand). VCF-style: chr19-10353030-G-A. GRCh37 (hg19) VCF-style: chr19-10463706-G-A.
Other names: c.3306C>T, p.Asp1102= (NM_001385204.1); c.3006C>T, p.Asp1002= (NM_001385205.1); c.2970C>T, p.Asp990= (NM_001385206.1); c.3078C>T, p.Asp1026= (NM_001385207.1); c.3096C>T, p.Asp1032= (NM_001385197.1, NM_001385198.1); c.2910C>T, p.Asp970= (NM_001385199.1); c.3093C>T, p.Asp1031= (NM_001385200.1); c.2898C>T, p.Asp966= (NM_001385201.1); and 3 more.
Identifiers: ClinVar variation 1570695 (VCV001570695.11), dbSNP rs763514629, ClinGen allele CA9192827.

ClinVar aggregate classification (germline): Likely benign. Review status: criteria provided, multiple submitters, no conflicts (2 of 4 stars). 3 submissions from 3 submitters: Likely benign (2). 1 of the submissions does not count toward it. Last evaluated 2025-03-23.

Conditions:
Immunodeficiency 35 (IMD35). Also called: Susceptibility to infection due to TYK2 deficiency; TYK2 DEFICIENCY; HIES WITH ATYPICAL MYCOBACTERIOSIS, AUTOSOMAL RECESSIVE; HYPER-IgE SYNDROME WITH ATYPICAL MYCOBACTERIOSIS, AUTOSOMAL RECESSIVE. Identifiers: Orphanet 331226, MedGen C1969086, MONDO:0012682, OMIM 611521.
TYK2-related disorder. Also called: TYK2-related condition.

Allele frequency attached by ClinVar (database versions not stated): ExAC 0.00003; gnomAD 0.00003 and 0.00004; gnomAD exomes 0.00005 and 0.00008; TOPMed 0.00005.
gnomAD v4.1: 52 of 1,602,060 alleles (0.0032%); highest among the groups gnomAD compares: Non-Finnish European, 0.0043%; no homozygotes.

Submissions (3):

Labcorp Genetics (formerly Invitae), Labcorp
Classification: Likely benign for Immunodeficiency 35. Last evaluated: 2025-03-23. Review status: criteria provided, single submitter. Criteria: Invitae Variant Classification Sherloc (09022015). Collection method: clinical testing. Allele origin: germline.

Blueprint Genetics
Classification: Likely benign. Last evaluated: 2024-10-15. Review status: criteria provided, single submitter. Criteria: ACMG Guidelines, 2015. Collection method: clinical testing. Allele origin: germline.

PreventionGenetics, part of Exact Sciences
Classification: Likely benign for TYK2-related condition. Last evaluated: 2019-07-23. Review status: no assertion criteria provided. Collection method: clinical testing. Allele origin: germline. Not counted in ClinVar's aggregate classification.
Comment: This variant is classified as likely benign based on ACMG/AMP sequence variant interpretation guidelines (Richards et al. 2015 PMID: 25741868, with internal and published modifications).